The following is an entry in ClinVar:

NM_001270508.2(TNFAIP3):c.548G>T (p.Arg183Leu)

Genes: TNFAIP3 (TNF alpha induced protein 3; plus strand), LOC126859807 (MED14-independent group 3 enhancer GRCh37_chr6:138196296-138197495; plus strand). Cytogenetic location: 6q23.3.
Variant type: single nucleotide variant.
Coding change: c.548G>T on transcript NM_001270508.2 (MANE Select); coding-DNA position 548, G replaced by T.
Protein change: p.Arg183Leu; replaces arginine 183 with leucine.
Molecular consequence: missense variant.
Genome position (GRCh38, 1-based): chr6:137,875,749, G>T. VCF-style: chr6-137875749-G-T. GRCh37 (hg19) VCF-style: chr6-138196886-G-T.
Other names: c.548G>T, p.Arg183Leu (NM_001270507.2, NM_006290.4); c.548G>T (NM_006290.3); short protein forms R183L.
Identifiers: ClinVar variation 3684465 (VCV003684465.3).

ClinVar aggregate classification (germline): Uncertain significance. Review status: criteria provided, multiple submitters, no conflicts (2 of 4 stars). 2 submissions from 2 submitters: Uncertain significance (2). Last evaluated 2025-07-28.

gnomAD v4.1: 3 of 1,614,014 alleles (0.00019%); highest among the groups gnomAD compares: Non-Finnish European, 0.00025%; no homozygotes.

Submissions (2):

GeneDx
Classification: Uncertain significance. Last evaluated: 2025-07-28. Review status: criteria provided, single submitter. Criteria: GeneDx Variant Classification Process June 2021. Collection method: clinical testing. Allele origin: germline. Affected: yes.
Comment: Not observed at significant frequency in large population cohorts (gnomAD); In silico analysis suggests that this missense variant does not alter protein structure/function; Has not been previously published as pathogenic or benign to our knowledge

Labcorp Genetics (formerly Invitae), Labcorp
Classification: Uncertain significance. Last evaluated: 2024-03-31. Review status: criteria provided, single submitter. Criteria: Invitae Variant Classification Sherloc (09022015). Collection method: clinical testing. Allele origin: germline.
Comment: This sequence change replaces arginine, which is basic and polar, with leucine, which is neutral and non-polar, at codon 183 of the TNFAIP3 protein (p.Arg183Leu). This variant is not present in population databases (gnomAD no frequency). This variant has not been reported in the literature in individuals affected with TNFAIP3-related conditions. Advanced modeling of protein sequence and biophysical properties (such as structural, functional, and spatial information, amino acid conservation, physicochemical variation, residue mobility, and thermodynamic stability) performed at Invitae indicates that this missense variant is not expected to disrupt TNFAIP3 protein function with a negative predictive value of 80%. In summary, the available evidence is currently insufficient to determine the role of this variant in disease. Therefore, it has been classified as a Variant of Uncertain Significance.